The following is an entry in ClinVar:

NM_004618.5(TOP3A):c.185_187del (p.Glu62del)

Gene: TOP3A (DNA topoisomerase III alpha; minus strand). Cytogenetic location: 17p11.2.
Variant type: Deletion.
Coding change: c.185_187del on transcript NM_004618.5 (MANE Select); coding-DNA positions 185 to 187, 3 bases deleted (AAG; older notation c.185_187delAAG).
Protein change: p.Glu62del; deletes glutamic acid 62.
Molecular consequence: inframe deletion. On other transcripts: 5 prime UTR variant (1).
Genome position (GRCh38, 1-based): chr17:18,308,935-18,308,937, CTT deleted on the plus strand (AAG on the coding strand, the reverse complement: TOP3A is on the minus strand); deleting any 3 consecutive bases within chr17:18,308,935-18,308,939 gives the same sequence; the c. name uses the placement nearest the transcript's 3' end. VCF-style (leftmost placement, unchanged base first): chr17-18308934-CCTT-C. GRCh37 (hg19) VCF-style: chr17-18212248-CCTT-C.
Other names: c.-27_-25del (NM_001320759.2); short protein forms E62del.
Identifiers: ClinVar variation 2125675 (VCV002125675.4), dbSNP rs1981749458, ClinGen allele CA982015600.

ClinVar aggregate classification (germline): Uncertain significance (1 of 4 stars; one submission).

Submission:

Labcorp Genetics (formerly Invitae), Labcorp
Classification: Uncertain significance. Last evaluated: 2022-09-24. Review status: criteria provided, single submitter. Criteria: Invitae Variant Classification Sherloc (09022015). Collection method: clinical testing. Allele origin: germline.
Comment: This variant, c.185_187del, results in the deletion of 1 amino acid(s) of the TOP3A protein (p.Glu62del), but otherwise preserves the integrity of the reading frame. This variant is not present in population databases (gnomAD no frequency). This variant has not been reported in the literature in individuals affected with TOP3A-related conditions. Experimental studies and prediction algorithms are not available or were not evaluated, and the functional significance of this variant is currently unknown. In summary, the available evidence is currently insufficient to determine the role of this variant in disease. Therefore, it has been classified as a Variant of Uncertain Significance.